The following is an entry in ClinVar:

ClinVar aggregate classification (germline): Uncertain significance (1 of 4 stars; one submission).

Conditions:
Hereditary pulmonary alveolar proteinosis. Also called: Pulmonary surfactant metabolism dysfunction. Identifiers: Orphanet 264675, MedGen C3711368, MONDO:0012580.

gnomAD v4.1: 11 of 1,614,040 alleles (0.00068%); highest among the groups gnomAD compares: Non-Finnish European, 0.00093%; no homozygotes.

Submission:

Ambry Genetics
Classification: Uncertain significance for Hereditary pulmonary alveolar proteinosis. Last evaluated: 2026-03-21. Review status: criteria provided, single submitter. Criteria: Ambry Variant Classification Scheme 2023. Collection method: clinical testing. Allele origin: germline.
Comment: The p.S788I variant (also known as c.2363G>T), located in coding exon 15 of the ABCA3 gene, results from a G to T substitution at nucleotide position 2363. The serine at codon 788 is replaced by isoleucine, an amino acid with dissimilar properties. This amino acid position is conserved. In addition, the in silico prediction for this alteration is inconclusive. Based on the available evidence, the clinical significance of this variant remains unclear.

NM_001089.3(ABCA3):c.2363G>T (p.Ser788Ile)

Gene: ABCA3 (ATP binding cassette subfamily A member 3; minus strand). Cytogenetic location: 16p13.3.
Variant type: single nucleotide variant.
Coding change: c.2363G>T on transcript NM_001089.3 (MANE Select); coding-DNA position 2363, G replaced by T.
Protein change: p.Ser788Ile; replaces serine 788 with isoleucine.
Molecular consequence: missense variant.
Genome position (GRCh38, 1-based): chr16:2,295,641, C>A on the plus strand (G>T on the coding strand, the complement: ABCA3 is on the minus strand). VCF-style: chr16-2295641-C-A. GRCh37 (hg19) VCF-style: chr16-2345642-C-A.
Other names: short protein forms S788I.
Identifiers: ClinVar variation 4871087 (VCV004871087.1).
Genomic context (GRCh38, chr16:2,295,641, plus strand): 5'-GAGGCGTACCTGTGCGTGCTCTCTCTGGGAAGGATGAAAGACAGCTCGGCCCCAGCGCTG[C>A]TCTCCAGCGTGGCGTTGGGCACGTGGTGGTGGACCAGCTGGGAGATGTCTTCCGGGTTGC-3'
Protein context (NP_001080.2, residues 778-798): HHHVPNATLE[Ser788Ile]SAGAELSFIL